The following is an entry in ClinVar:

NM_000384.3(APOB):c.908del (p.Thr303fs)

Gene: APOB (apolipoprotein B; minus strand). Cytogenetic location: 2p24.1.
Variant type: Deletion.
Coding change: c.908del on transcript NM_000384.3 (MANE Select); coding-DNA position 908, one base deleted (C; older notation c.908delC).
Protein change: p.Thr303fs; shifts the reading frame from threonine 303.
Molecular consequence: frameshift variant.
Genome position (GRCh38, 1-based): chr2:21,033,515, G deleted on the plus strand (C on the coding strand, the reverse complement: APOB is on the minus strand). VCF-style (leftmost placement, unchanged base first): chr2-21033514-AG-A. GRCh37 (hg19) VCF-style: chr2-21256386-AG-A.
Other names: short protein forms T303fs.
Identifiers: ClinVar variation 3759711 (VCV003759711.2).

ClinVar aggregate classification (germline): Pathogenic (1 of 4 stars; one submission).

Conditions:
Familial hypobetalipoproteinemia 1. Also called: APOB-Related Familial Hypobetalipoproteinemia; Hypobetalipoproteinemia, normotriglyceridemic; Acanthocytosis with hypobetalipoproteinemia. Identifiers: MedGen C4551990, MONDO:0014252, OMIM 615558.
Hypercholesterolemia, autosomal dominant, type B (FHCL2). Also called: Familial Hypercholesterolemia Type B; APOLIPOPROTEIN B-100, FAMILIAL DEFECTIVE; APOLIPOPROTEIN B-100, FAMILIAL LIGAND-DEFECTIVE; HYPERCHOLESTEROLEMIA, FAMILIAL, DUE TO LIGAND-DEFECTIVE APOLIPOPROTEIN B; Hyperlipoproteinemia Type IIb; Familial hypercholesterolemia 2. Identifiers: MedGen C1704417, MONDO:0007751, OMIM 144010.

Submission:

Labcorp Genetics (formerly Invitae), Labcorp
Classification: Pathogenic for Familial hypobetalipoproteinemia 1; Hypercholesterolemia, autosomal dominant, type B. Last evaluated: 2024-11-05. Review status: criteria provided, single submitter. Criteria: Invitae Variant Classification Sherloc (09022015). Collection method: clinical testing. Allele origin: germline.
Comment: This sequence change creates a premature translational stop signal (p.Thr303Ilefs*24) in the APOB gene. It is expected to result in an absent or disrupted protein product. Loss-of-function variants in APOB are known to be pathogenic (PMID: 20032471). This variant is not present in population databases (gnomAD no frequency). This variant has not been reported in the literature in individuals affected with APOB-related conditions. For these reasons, this variant has been classified as Pathogenic.

Literature cited by the submitters: PubMed 20032471.